The following is an entry in ClinVar:

ClinVar aggregate classification (germline): Uncertain significance (1 of 4 stars; one submission).

Conditions:
Hypertrophic cardiomyopathy. Also called: HYPERTROPHIC MYOCARDIOPATHY. Identifiers: Orphanet 217569, MedGen C0007194, MeSH D002312, MONDO:0005045, HP:0001639.

gnomAD v4.1: 4 of 1,614,128 alleles (0.00025%); highest among the groups gnomAD compares: Non-Finnish European, 0.00034%; no homozygotes.

Submission:

Labcorp Genetics (formerly Invitae), Labcorp
Classification: Uncertain significance for Hypertrophic cardiomyopathy. Last evaluated: 2025-08-15. Review status: criteria provided, single submitter. Criteria: Invitae Variant Classification Sherloc (09022015). Collection method: clinical testing. Allele origin: germline.
Comment: This sequence change replaces threonine, which is neutral and polar, with isoleucine, which is neutral and non-polar, at codon 1282 of the MYH7 protein (p.Thr1282Ile). This variant is not present in population databases (gnomAD no frequency). This variant has not been reported in the literature in individuals affected with MYH7-related conditions. ClinVar contains an entry for this variant (Variation ID: 3636010). Invitae Evidence Modeling of protein sequence and biophysical properties (such as structural, functional, and spatial information, amino acid conservation, physicochemical variation, residue mobility, and thermodynamic stability) indicates that this missense variant is expected to disrupt MYH7 protein function with a positive predictive value of 95%. In summary, the available evidence is currently insufficient to determine the role of this variant in disease. Therefore, it has been classified as a Variant of Uncertain Significance.

NM_000257.4(MYH7):c.3845C>T (p.Thr1282Ile)

Gene: MYH7 (myosin heavy chain 7; minus strand). Cytogenetic location: 14q11.2.
Variant type: single nucleotide variant.
Coding change: c.3845C>T on transcript NM_000257.4 (MANE Select); coding-DNA position 3845, C replaced by T.
Protein change: p.Thr1282Ile; replaces threonine 1282 with isoleucine.
Molecular consequence: missense variant.
Genome position (GRCh38, 1-based): chr14:23,419,491, G>A on the plus strand (C>T on the coding strand, the complement: MYH7 is on the minus strand). VCF-style: chr14-23419491-G-A. GRCh37 (hg19) VCF-style: chr14-23888700-G-A.
Other names: c.3845C>T, p.Thr1282Ile (NM_001407004.1); short protein forms T1282I.
Identifiers: ClinVar variation 3636010 (VCV003636010.2).
Genomic context (GRCh38, chr14:23,419,491, plus strand): 5'-GGAGGTTGGGGAGACTGTGGTGGGAACCATGGAGCCCCTGCTCTAGGCTCACCATTCTCG[G>A]TTTGCAACTTGGCCCGCTGGCTGGTGAGGTCGTTGACAGAACGCTGGGTCTCCTCCGCCT-3'
Protein context (NP_000248.2, residues 1272-1292): DLTSQRAKLQ[Thr1282Ile]ENGELSRQLD